The following is an entry in ClinVar:

NM_014915.3(ANKRD26):c.4981A>G (p.Thr1661Ala)

Gene: ANKRD26 (ankyrin repeat domain 26; minus strand). Cytogenetic location: 10p12.1.
Variant type: single nucleotide variant.
Coding change: c.4981A>G on transcript NM_014915.3 (MANE Select); coding-DNA position 4981, A replaced by G.
Protein change: p.Thr1661Ala; replaces threonine 1661 with alanine.
Molecular consequence: missense variant.
Genome position (GRCh38, 1-based): chr10:27,006,935, T>C on the plus strand (A>G on the coding strand, the complement: ANKRD26 is on the minus strand). VCF-style: chr10-27006935-T-C. GRCh37 (hg19) VCF-style: chr10-27295864-T-C.
Other names: c.4978A>G, p.Thr1660Ala (NM_001256053.2); short protein forms T1660A, T1661A.
Identifiers: ClinVar variation 2801534 (VCV002801534.4), dbSNP rs1008531113, ClinGen allele CA376352893.

ClinVar aggregate classification (germline): Uncertain significance. Review status: criteria provided, multiple submitters, no conflicts (2 of 4 stars). 2 submissions from 2 submitters: Uncertain significance (2). Last evaluated 2025-08-19.

Conditions:
Inborn genetic diseases. Identifiers: MedGen C0950123, MeSH D030342.

gnomAD v4.1: 1 of 1,610,078 alleles (0.000062%); highest among the groups gnomAD compares: Non-Finnish European, 0.000085%; no homozygotes.

Submissions (2):

Ambry Genetics
Classification: Uncertain significance for Inborn genetic diseases. Last evaluated: 2025-08-19. Review status: criteria provided, single submitter. Criteria: Ambry Variant Classification Scheme 2023. Collection method: clinical testing. Allele origin: germline.
Comment: The p.T1661A variant (also known as c.4981A>G), located in coding exon 33 of the ANKRD26 gene, results from an A to G substitution at nucleotide position 4981. The threonine at codon 1661 is replaced by alanine, an amino acid with similar properties. This amino acid position is conserved. In addition, this alteration is predicted to be tolerated by in silico analysis. Based on the available evidence, the clinical significance of this variant remains unclear.

Labcorp Genetics (formerly Invitae), Labcorp
Classification: Uncertain significance. Last evaluated: 2022-11-04. Review status: criteria provided, single submitter. Criteria: Invitae Variant Classification Sherloc (09022015). Collection method: clinical testing. Allele origin: germline.
Comment: In summary, the available evidence is currently insufficient to determine the role of this variant in disease. Therefore, it has been classified as a Variant of Uncertain Significance. Algorithms developed to predict the effect of missense changes on protein structure and function are either unavailable or do not agree on the potential impact of this missense change (SIFT: "Deleterious"; PolyPhen-2: "Possibly Damaging"; Align-GVGD: "Class C0"). This variant has not been reported in the literature in individuals affected with ANKRD26-related conditions. This variant is not present in population databases (gnomAD no frequency). This sequence change replaces threonine, which is neutral and polar, with alanine, which is neutral and non-polar, at codon 1661 of the ANKRD26 protein (p.Thr1661Ala).